The following is an entry in ClinVar:

ClinVar aggregate classification (germline): Uncertain significance. Review status: criteria provided, multiple submitters, no conflicts (2 of 4 stars). 2 submissions from 2 submitters: Uncertain significance (2). Last evaluated 2025-06-04.

Conditions:
Congenital hypothyroidism. Identifiers: Orphanet 442, MedGen C0010308, MONDO:0018612, HP:0000851.
Inborn genetic diseases. Identifiers: MedGen C0950123, MeSH D030342.

Allele frequency attached by ClinVar (database versions not stated): ExAC 0.00001.
gnomAD v4.1: 26 of 1,613,166 alleles (0.0016%); highest among the groups gnomAD compares: Admixed American, 0.0017%; no homozygotes.

Submissions (2):

Cambridge Genomics Laboratory, East Genomic Laboratory Hub, NHS Genomic Medicine Service
Classification: Uncertain significance for Congenital hypothyroidism. Last evaluated: 2025-06-04. Review status: criteria provided, single submitter. Criteria: ACGS Best Practice Guidelines for Variant Classification in Rare Disease 2020. Collection method: clinical testing. Allele origin: germline. Affected: yes.
Comment: PM2,BP4

Ambry Genetics
Classification: Uncertain significance for Inborn genetic diseases. Last evaluated: 2022-05-13. Review status: criteria provided, single submitter. Criteria: Ambry Variant Classification Scheme 2023. Collection method: clinical testing. Allele origin: germline.

NM_001042413.2(GLIS3):c.1843G>T (p.Ala615Ser)

Gene: GLIS3 (GLIS family zinc finger 3; minus strand). Cytogenetic location: 9p24.2.
Variant type: single nucleotide variant.
Coding change: c.1843G>T on transcript NM_001042413.2 (MANE Select); coding-DNA position 1843, G replaced by T.
Protein change: p.Ala615Ser; replaces alanine 615 with serine.
Molecular consequence: missense variant.
Genome position (GRCh38, 1-based): chr9:3,937,057, C>A on the plus strand (G>T on the coding strand, the complement: GLIS3 is on the minus strand). VCF-style: chr9-3937057-C-A. GRCh37 (hg19) VCF-style: chr9-3937057-C-A.
Other names: c.1378G>T, p.Ala460Ser (NM_152629.4); short protein forms A460S, A615S.
Identifiers: ClinVar variation 2289448 (VCV002289448.3), dbSNP rs752946704, ClinGen allele CA4968067.